The following is an entry in ClinVar:

NM_000188.3(HK1):c.2612T>C (p.Phe871Ser)

Gene: HK1 (hexokinase 1; plus strand). Cytogenetic location: 10q22.1.
Variant type: single nucleotide variant.
Coding change: c.2612T>C on transcript NM_000188.3 (MANE Select); coding-DNA position 2612, T replaced by C.
Protein change: p.Phe871Ser; replaces phenylalanine 871 with serine.
Molecular consequence: missense variant. On other transcripts: non-coding transcript variant (2), intron variant (1).
Genome position (GRCh38, 1-based): chr10:69,400,993, T>C. VCF-style: chr10-69400993-T-C. GRCh37 (hg19) VCF-style: chr10-71160749-T-C.
Other names: c.2624T>C, p.Phe875Ser (NM_001322364.2, NM_001358263.1, NM_033497.3 and 1 more transcripts); c.2717T>C, p.Phe906Ser (NM_001322365.2); c.2528T>C, p.Phe843Ser (NM_001322366.1, NM_001441143.1); c.2516T>C, p.Phe839Ser (NM_001322367.1); c.2609T>C, p.Phe870Ser (NM_001441139.1, NM_033496.3); c.2603T>C, p.Phe868Ser (NM_001441140.1); c.2570T>C, p.Phe857Ser (NM_001441142.1); c.2492T>C, p.Phe831Ser (NM_001441144.1, NM_001441145.1); and 10 more; short protein forms F535S, F633S, F658S, F741S, F749S, F793S, F797S, F819S.
Identifiers: ClinVar variation 4527177 (VCV004527177.1).

ClinVar aggregate classification (germline): Uncertain significance (1 of 4 stars; one submission).

Submission:

GeneDx
Classification: Uncertain significance. Last evaluated: 2025-04-22. Review status: criteria provided, single submitter. Criteria: GeneDx Variant Classification Process June 2021. Collection method: clinical testing. Allele origin: germline. Affected: yes.
Comment: Not observed at significant frequency in large population cohorts (gnomAD); In silico analysis supports that this missense variant has a deleterious effect on protein structure/function; Has not been previously published as pathogenic or benign to our knowledge